The following is an entry in ClinVar:

ClinVar aggregate classification (germline): Uncertain significance. Review status: criteria provided, multiple submitters, no conflicts (2 of 4 stars). 4 submissions from 4 submitters: Uncertain significance (4). Last evaluated 2025-11-19.

Conditions:
Hereditary cancer-predisposing syndrome. Also called: Neoplastic Syndromes, Hereditary; Hereditary neoplastic syndrome; Hereditary Cancer Syndrome; Tumor predisposition. Identifiers: Orphanet 140162, MedGen C0027672, MeSH D009386, MONDO:0015356.
Gastrointestinal stromal tumor. Also called: Gastrointestinal stromal tumor, somatic; Gastrointestinal stroma tumor. Identifiers: Orphanet 44890, MedGen C0238198, MeSH D046152, MONDO:0011719, OMIM 606764, HP:0100723.

Allele frequency attached by ClinVar (database versions not stated): TOPMed below 0.00001; gnomAD 0.00001.
gnomAD v4.1: 10 of 1,612,506 alleles (0.00062%); highest among the groups gnomAD compares: Non-Finnish European, 0.00085%; no homozygotes.

Submissions (4):

Labcorp Genetics (formerly Invitae), Labcorp
Classification: Uncertain significance for Gastrointestinal stromal tumor. Last evaluated: 2025-11-19. Review status: criteria provided, single submitter. Criteria: Invitae Variant Classification Sherloc (09022015). Collection method: clinical testing. Allele origin: germline.
Comment: This sequence change replaces valine, which is neutral and non-polar, with isoleucine, which is neutral and non-polar, at codon 825 of the KIT protein (p.Val825Ile). This variant is not present in population databases (gnomAD no frequency). This variant has not been reported in the literature in individuals affected with KIT-related conditions. ClinVar contains an entry for this variant (Variation ID: 237262). An algorithm developed to predict the effect of missense changes on protein structure and function (PolyPhen-2) suggests that this variant is likely to be disruptive. In summary, the available evidence is currently insufficient to determine the role of this variant in disease. Therefore, it has been classified as a Variant of Uncertain Significance.

GeneDx
Classification: Uncertain significance. Last evaluated: 2024-04-30. Review status: criteria provided, single submitter. Criteria: GeneDx Variant Classification Process June 2021. Collection method: clinical testing. Allele origin: germline. Affected: yes.
Comment: Not observed at significant frequency in large population cohorts (gnomAD); In silico analysis indicates that this missense variant does not alter protein structure/function; Has not been previously published as pathogenic or benign to our knowledge; This variant is associated with the following publications: (PMID: 16460801)

Ambry Genetics
Classification: Uncertain significance for Hereditary cancer-predisposing syndrome. Last evaluated: 2024-04-04. Review status: criteria provided, single submitter. Criteria: Ambry Variant Classification Scheme 2023. Collection method: clinical testing. Allele origin: germline.
Comment: The p.V825I variant (also known as c.2473G>A), located in coding exon 17 of the KIT gene, results from a G to A substitution at nucleotide position 2473. The valine at codon 825 is replaced by isoleucine, an amino acid with highly similar properties. This amino acid position is well conserved in available vertebrate species. In addition, the in silico prediction for this alteration is inconclusive. Since supporting evidence is limited at this time, the clinical significance of this alteration remains unclear.

Baylor Genetics
Classification: Uncertain significance for Gastrointestinal stromal tumor. Last evaluated: 2023-06-22. Review status: criteria provided, single submitter. Criteria: ACMG Guidelines, 2015. Collection method: clinical testing. Allele origin: unknown.

Literature cited by the submitters: PubMed 16460801 (cited by Ambry Genetics).

NM_000222.3(KIT):c.2473G>A (p.Val825Ile)

Gene: KIT (KIT proto-oncogene, receptor tyrosine kinase; plus strand). Cytogenetic location: 4q12.
Variant type: single nucleotide variant.
Coding change: c.2473G>A on transcript NM_000222.3 (MANE Select); coding-DNA position 2473, G replaced by A.
Protein change: p.Val825Ile; replaces valine 825 with isoleucine.
Molecular consequence: missense variant.
Genome position (GRCh38, 1-based): chr4:54,733,181, G>A. VCF-style: chr4-54733181-G-A. GRCh37 (hg19) VCF-style: chr4-55599347-G-A.
Other names: c.2461G>A, p.Val821Ile (NM_001093772.2, NM_001385292.1); c.2476G>A, p.Val826Ile (NM_001385284.1); c.2470G>A, p.Val824Ile (NM_001385285.1); c.2458G>A, p.Val820Ile (NM_001385286.1); c.2464G>A, p.Val822Ile (NM_001385288.1); c.2473G>A, p.Val825Ile (NM_001385290.1); short protein forms V825I, V821I, V820I, V822I, V824I, V826I.
Identifiers: ClinVar variation 237262 (VCV000237262.14), dbSNP rs878853765, ClinGen allele CA10582266.